The following is an entry in ClinVar:

NM_017617.5(NOTCH1):c.678C>T (p.Pro226=)

Gene: NOTCH1 (notch receptor 1; minus strand). Cytogenetic location: 9q34.3.
Variant type: single nucleotide variant.
Coding change: c.678C>T on transcript NM_017617.5 (MANE Select); coding-DNA position 678, C replaced by T.
Protein change: p.Pro226=; no amino-acid change (proline 226 retained).
Molecular consequence: synonymous variant.
Genome position (GRCh38, 1-based): chr9:136,522,914, G>A on the plus strand (C>T on the coding strand, the complement: NOTCH1 is on the minus strand). VCF-style: chr9-136522914-G-A. GRCh37 (hg19) VCF-style: chr9-139417366-G-A.
Identifiers: ClinVar variation 2659751 (VCV002659751.24), dbSNP rs950648628, ClinGen allele CA467833848.

ClinVar aggregate classification (germline): Likely benign (1 of 4 stars; one submission).

Submission:

CeGaT Center for Human Genetics Tuebingen
Classification: Likely benign. Last evaluated: 2023-07-01. Review status: criteria provided, single submitter. Criteria: CeGaT Center For Human Genetics Tuebingen Variant Classification Criteria Version 2. Collection method: clinical testing. Allele origin: germline. Affected: yes. Observed: 1 variant allele.
Comment: NOTCH1: PM2:Supporting, BP4, BP7